The following is an entry in ClinVar:

NM_020822.3(KCNT1):c.2842-80C>G

Gene: KCNT1 (potassium sodium-activated channel subfamily T member 1; plus strand). Cytogenetic location: 9q34.3.
Variant type: single nucleotide variant.
Coding change: c.2842-80C>G on transcript NM_020822.3 (MANE Select); 80 bases into the intron before coding-DNA position 2842, C replaced by G.
Molecular consequence: intron variant.
Genome position (GRCh38, 1-based): chr9:135,783,944, C>G. VCF-style: chr9-135783944-C-G. GRCh37 (hg19) VCF-style: chr9-138675790-C-G.
Other names: c.2707-80C>G (NM_001272003.2).
Identifiers: ClinVar variation 682420 (VCV000682420.4), dbSNP rs10776847, ClinGen allele CA13003902.

ClinVar aggregate classification (germline): Benign. Review status: criteria provided, multiple submitters, no conflicts (2 of 4 stars). 3 submissions from 3 submitters: Benign (3). Last evaluated 2024-07-15.

Allele frequency attached by ClinVar (database versions not stated): 1000 Genomes Project 30x 0.14850; 1000 Genomes Project 0.15276; gnomAD 0.16373 and 0.16717; TOPMed 0.16965; gnomAD exomes 0.21902.
gnomAD v4.1: 213,009 of 1,010,356 alleles (21%); highest among the groups gnomAD compares: Non-Finnish European, 24%; 24,483 homozygotes.

Submissions (3):

Unidad de Genómica Garrahan, Hospital de Pediatría Garrahan
Classification: Benign. Last evaluated: 2024-07-15. Review status: criteria provided, single submitter. Criteria: ACMG Guidelines, 2015. Collection method: clinical testing. Allele origin: germline. Affected: no. Observed: 21 variant alleles.
Comment: This variant is classified as Benign based on local population frequency. This variant was detected in 23% of patients studied in a panel designed for Epileptic and Developmental Encephalopathy and Progressive Myoclonus Epilepsy. Number of patients: 21. Only high quality variants are reported.

GeneDx
Classification: Benign. Last evaluated: 2018-06-14. Review status: criteria provided, single submitter. Criteria: GeneDx Variant Classification (06012015). Collection method: clinical testing. Allele origin: germline. Affected: yes.
Comment: This variant is considered likely benign or benign based on one or more of the following criteria: it is a conservative change, it occurs at a poorly conserved position in the protein, it is predicted to be benign by multiple in silico algorithms, and/or has population frequency not consistent with disease.

Breakthrough Genomics
Classification: Benign. Review status: criteria provided, single submitter. Criteria: ACMG Guidelines, 2015. Collection method: not provided. Allele origin: germline. Inheritance: Autosomal dominant inheritance. Affected: yes.